The following is an entry in ClinVar:

NM_000388.4(CASR):c.2741T>C (p.Ile914Thr)

Gene: CASR (calcium sensing receptor; plus strand). Cytogenetic location: 3q21.1.
Variant type: single nucleotide variant.
Coding change: c.2741T>C on transcript NM_000388.4 (MANE Select); coding-DNA position 2741, T replaced by C.
Protein change: p.Ile914Thr; replaces isoleucine 914 with threonine.
Molecular consequence: missense variant.
Genome position (GRCh38, 1-based): chr3:122,284,695, T>C. VCF-style: chr3-122284695-T-C. GRCh37 (hg19) VCF-style: chr3-122003542-T-C.
Other names: c.2771T>C, p.Ile924Thr (NM_001178065.2); short protein forms I914T, I924T.
Identifiers: ClinVar variation 844441 (VCV000844441.10), dbSNP rs2074944863, ClinGen allele CA354160660.
Genomic context (GRCh38, chr3:122,284,695, plus strand): 5'-TCTCCCGCAAGCGGTCCAGCAGCCTTGGAGGCTCCACGGGATCCACCCCCTCCTCCTCCA[T>C]CAGCAGCAAGAGCAACAGCGAAGACCCATTCCCACAGCCCGAGAGGCAGAAGCAGCAGCA-3'
Protein context (NP_000379.3, residues 904-924): GSTGSTPSSS[Ile914Thr]SSKSNSEDPF

ClinVar aggregate classification (germline): Uncertain significance (1 of 4 stars; one submission).

Conditions:
Autosomal dominant hypocalcemia 1 (HYPOC1). Also called: HYPOCALCEMIA, FAMILIAL. Identifiers: MedGen C3715128, MONDO:0011013, OMIM 601198.
Familial hypocalciuric hypercalcemia (FHH). Also called: Familial benign hypercalcemia. Identifiers: Orphanet 405, MedGen C1809471, MONDO:0018458.

Submission:

Labcorp Genetics (formerly Invitae), Labcorp
Classification: Uncertain significance for Familial hypocalciuric hypercalcemia; Autosomal dominant hypocalcemia 1. Last evaluated: 2019-01-24. Review status: criteria provided, single submitter. Criteria: Invitae Variant Classification Sherloc (09022015). Collection method: clinical testing. Allele origin: germline.
Comment: This variant has not been reported in the literature in individuals with CASR-related conditions. This variant is not present in population databases (ExAC no frequency). This sequence change replaces isoleucine with threonine at codon 914 of the CASR protein (p.Ile914Thr). The isoleucine residue is highly conserved and there is a moderate physicochemical difference between isoleucine and threonine. Algorithms developed to predict the effect of missense changes on protein structure and function are either unavailable or do not agree on the potential impact of this missense change (SIFT: "Deleterious"; PolyPhen-2: "Benign"; Align-GVGD: "Class C65"). In summary, the available evidence is currently insufficient to determine the role of this variant in disease. Therefore, it has been classified as a Variant of Uncertain Significance.